The following is an entry in ClinVar:

NM_000435.3(NOTCH3):c.2318C>A (p.Ser773Tyr)

Gene: NOTCH3 (notch receptor 3; minus strand). Cytogenetic location: 19p13.12.
Variant type: single nucleotide variant.
Coding change: c.2318C>A on transcript NM_000435.3 (MANE Select); coding-DNA position 2318, C replaced by A.
Protein change: p.Ser773Tyr; replaces serine 773 with tyrosine.
Molecular consequence: missense variant.
Genome position (GRCh38, 1-based): chr19:15,184,998, G>T on the plus strand (C>A on the coding strand, the complement: NOTCH3 is on the minus strand). VCF-style: chr19-15184998-G-T. GRCh37 (hg19) VCF-style: chr19-15295809-G-T.
Other names: short protein forms S773Y.
Identifiers: ClinVar variation 1399816 (VCV001399816.7), dbSNP rs2145428834, ClinGen allele CA404520665.

ClinVar aggregate classification (germline): Uncertain significance (1 of 4 stars; one submission).

gnomAD v4.1: 3 of 1,528,792 alleles (0.0002%); highest among the groups gnomAD compares: Admixed American, 0.002%; no homozygotes.

Submission:

Labcorp Genetics (formerly Invitae), Labcorp
Classification: Uncertain significance. Last evaluated: 2025-03-31. Review status: criteria provided, single submitter. Criteria: Invitae Variant Classification Sherloc (09022015). Collection method: clinical testing. Allele origin: germline.
Comment: This sequence change replaces serine, which is neutral and polar, with tyrosine, which is neutral and polar, at codon 773 of the NOTCH3 protein (p.Ser773Tyr). This variant is not present in population databases (gnomAD no frequency). This variant has not been reported in the literature in individuals affected with NOTCH3-related conditions. ClinVar contains an entry for this variant (Variation ID: 1399816). Invitae Evidence Modeling of protein sequence and biophysical properties (such as structural, functional, and spatial information, amino acid conservation, physicochemical variation, residue mobility, and thermodynamic stability) has been performed for this missense variant. However, the output from this modeling did not meet the statistical confidence thresholds required to predict the impact of this variant on NOTCH3 protein function. In summary, the available evidence is currently insufficient to determine the role of this variant in disease. Therefore, it has been classified as a Variant of Uncertain Significance.